The following is an entry in ClinVar:

NM_017780.4(CHD7):c.7971+6C>T

Gene: CHD7 (chromodomain helicase DNA binding protein 7; plus strand). Cytogenetic location: 8q12.2.
Variant type: single nucleotide variant.
Coding change: c.7971+6C>T on transcript NM_017780.4 (MANE Select); 6 bases into the intron after coding-DNA position 7971, C replaced by T.
Molecular consequence: intron variant.
Genome position (GRCh38, 1-based): chr8:60,862,342, C>T. VCF-style: chr8-60862342-C-T. GRCh37 (hg19) VCF-style: chr8-61774901-C-T.
Other names: c.1824+6C>T (NM_001316690.1).
Identifiers: ClinVar variation 662909 (VCV000662909.8), dbSNP rs769103057, ClinGen allele CA4760921.

ClinVar aggregate classification (germline): Conflicting classifications of pathogenicity. Review status: criteria provided, conflicting classifications (1 of 4 stars). 3 submissions from 3 submitters: Uncertain significance (1); Likely benign (2). Last evaluated 2025-10-29.

Conditions:
CHARGE syndrome (CHARGE). Also called: Coloboma, heart anomaly, choanal atresia, retardation, genital and ear anomalies; CHARGE association; Hall-Hittner syndrome; Hittner Hirsch Kreh syndrome; CHARGE ASSOCIATION--COLOBOMA, HEART ANOMALY, CHOANAL ATRESIA, RETARDATION, GENITAL AND EAR ANOMALIES. Identifiers: Orphanet 138, MedGen C0265354, MONDO:0008965.

Allele frequency attached by ClinVar (database versions not stated): TOPMed 0.00003.
gnomAD v4.1: 46 of 1,597,672 alleles (0.0029%); highest among the groups gnomAD compares: Admixed American, 0.0088%; no homozygotes.

Submissions (3):

Labcorp Genetics (formerly Invitae), Labcorp
Classification: Uncertain significance for CHARGE syndrome. Last evaluated: 2025-10-29. Review status: criteria provided, single submitter. Criteria: Invitae Variant Classification Sherloc (09022015). Collection method: clinical testing. Allele origin: germline.
Comment: This sequence change falls in intron 36 of the CHD7 gene. It does not directly change the encoded amino acid sequence of the CHD7 protein. It affects a nucleotide within the consensus splice site. This variant is present in population databases (rs769103057, gnomAD 0.02%). This variant has not been reported in the literature in individuals affected with CHD7-related conditions. ClinVar contains an entry for this variant (Variation ID: 662909). Variants that disrupt the consensus splice site are a relatively common cause of aberrant splicing (PMID: 17576681, 9536098). Algorithms developed to predict the effect of sequence changes on RNA splicing suggest that this variant is not likely to affect RNA splicing. In summary, the available evidence is currently insufficient to determine the role of this variant in disease. Therefore, it has been classified as a Variant of Uncertain Significance.

Blueprint Genetics
Classification: Likely benign. Last evaluated: 2022-12-21. Review status: criteria provided, single submitter. Criteria: ACMG Guidelines, 2015. Collection method: clinical testing. Allele origin: germline.

GeneDx
Classification: Likely benign. Last evaluated: 2021-04-23. Review status: criteria provided, single submitter. Criteria: GeneDx Variant Classification Process June 2021. Collection method: clinical testing. Allele origin: germline. Affected: yes.

Literature cited by the submitters: PubMed 17576681 (cited by Labcorp Genetics (formerly Invitae), Labcorp); PubMed 9536098 (cited by Labcorp Genetics (formerly Invitae), Labcorp).